The following is an entry in ClinVar:

ClinVar aggregate classification (germline): Uncertain significance (1 of 4 stars; one submission).

Submission:

Labcorp Genetics (formerly Invitae), Labcorp
Classification: Uncertain significance. Last evaluated: 2023-01-18. Review status: criteria provided, single submitter. Criteria: Invitae Variant Classification Sherloc (09022015). Collection method: clinical testing. Allele origin: germline.
Comment: In summary, the available evidence is currently insufficient to determine the role of this variant in disease. Therefore, it has been classified as a Variant of Uncertain Significance. An algorithm developed to predict the effect of missense changes on protein structure and function (PolyPhen-2) suggests that this variant is likely to be disruptive. This variant has not been reported in the literature in individuals affected with A2ML1-related conditions. Information on the frequency of this variant in the gnomAD database is not available, as this variant may be reported differently in the database. This sequence change replaces threonine, which is neutral and polar, with asparagine, which is neutral and polar, at codon 1211 of the A2ML1 protein (p.Thr1211Asn).

NM_144670.6(A2ML1):c.3632_3633delinsAC (p.Thr1211Asn)

Gene: A2ML1 (alpha-2-macroglobulin like 1; plus strand). Cytogenetic location: 12p13.31.
Variant type: Indel.
Coding change: c.3632_3633delinsAC on transcript NM_144670.6 (MANE Select); coding-DNA positions 3632 to 3633, CT replaced by AC.
Protein change: p.Thr1211Asn; replaces threonine 1211 with asparagine.
Molecular consequence: missense variant.
Genome position (GRCh38, 1-based): chr12:8,863,923-8,863,924, CT replaced by AC. VCF-style: chr12-8863923-CT-AC. GRCh37 (hg19) VCF-style: chr12-9016519-CT-AC.
Other names: c.2159_2160delinsAC, p.Thr720Asn (NM_001282424.3); short protein forms T1211N, T720N.
Identifiers: ClinVar variation 2829820 (VCV002829820.3), dbSNP rs2539298420, ClinGen allele CA2739271861.